The following is an entry in ClinVar:

ClinVar aggregate classification (germline): Uncertain significance (1 of 4 stars; one submission).

Conditions:
Hereditary cancer-predisposing syndrome. Also called: Tumor predisposition; Neoplastic Syndromes, Hereditary; Hereditary Cancer Syndrome; Hereditary neoplastic syndrome. Identifiers: Orphanet 140162, MedGen C0027672, MeSH D009386, MONDO:0015356.

Submission:

Ambry Genetics
Classification: Uncertain significance for Hereditary cancer-predisposing syndrome. Last evaluated: 2024-10-08. Review status: criteria provided, single submitter. Criteria: Ambry Variant Classification Scheme 2023. Collection method: clinical testing. Allele origin: germline.
Comment: The p.G1817C variant (also known as c.5449G>T), located in coding exon 24 of the DICER1 gene, results from a G to T substitution at nucleotide position 5449. The glycine at codon 1817 is replaced by cysteine, an amino acid with highly dissimilar properties. This amino acid position is conserved. In addition, this alteration is predicted to be deleterious by in silico analysis. Based on the available evidence, the clinical significance of this variant remains unclear.

NM_177438.3(DICER1):c.5449G>T (p.Gly1817Cys)

Gene: DICER1 (dicer 1, ribonuclease III; minus strand). Cytogenetic location: 14q32.13.
Variant type: single nucleotide variant.
Coding change: c.5449G>T on transcript NM_177438.3 (MANE Select); coding-DNA position 5449, G replaced by T.
Protein change: p.Gly1817Cys; replaces glycine 1817 with cysteine.
Molecular consequence: missense variant. On other transcripts: non-coding transcript variant (6), intron variant (1).
Genome position (GRCh38, 1-based): chr14:95,091,281, C>A on the plus strand (G>T on the coding strand, the complement: DICER1 is on the minus strand). VCF-style: chr14-95091281-C-A. GRCh37 (hg19) VCF-style: chr14-95557618-C-A.
Other names: c.5449G>T, p.Gly1817Cys (NM_001271282.3, NM_001291628.2, NM_001395677.1 and 7 more transcripts); c.5167G>T, p.Gly1723Cys (NM_001395686.1); c.5044G>T, p.Gly1682Cys (NM_001395687.1, NM_001395688.1, NM_001395689.1 and 1 more transcripts); c.4882G>T, p.Gly1628Cys (NM_001395691.1); c.3766G>T, p.Gly1256Cys (NM_001395697.1); c.5365-172G>T (NM_001195573.1); short protein forms G1682C, G1723C, G1256C, G1628C, G1817C.
Identifiers: ClinVar variation 3501917 (VCV003501917.1).